The following is an entry in ClinVar:

ClinVar aggregate classification (germline): Uncertain significance (1 of 4 stars; one submission).

Conditions:
Charcot-Marie-Tooth disease type 4. Also called: Charcot-Marie-Tooth, Type 4; Charcot-Marie-Tooth disease, type IV. Identifiers: Orphanet 64749, MedGen C4082197, MONDO:0018995.

Allele frequency attached by ClinVar (database versions not stated): TOPMed below 0.00001; gnomAD exomes 0.00001.
gnomAD v4.1: 15 of 1,613,322 alleles (0.00093%); highest among the groups gnomAD compares: Non-Finnish European, 0.0013%; no homozygotes.

Submission:

Labcorp Genetics (formerly Invitae), Labcorp
Classification: Uncertain significance for Charcot-Marie-Tooth disease type 4. Last evaluated: 2024-12-09. Review status: criteria provided, single submitter. Criteria: Invitae Variant Classification Sherloc (09022015). Collection method: clinical testing. Allele origin: germline.
Comment: This sequence change replaces glutamine, which is neutral and polar, with histidine, which is basic and polar, at codon 1735 of the SBF2 protein (p.Gln1735His). This variant is not present in population databases (gnomAD no frequency). This variant has not been reported in the literature in individuals affected with SBF2-related conditions. ClinVar contains an entry for this variant (Variation ID: 241613). Invitae Evidence Modeling of protein sequence and biophysical properties (such as structural, functional, and spatial information, amino acid conservation, physicochemical variation, residue mobility, and thermodynamic stability) indicates that this missense variant is not expected to disrupt SBF2 protein function with a negative predictive value of 80%. In summary, the available evidence is currently insufficient to determine the role of this variant in disease. Therefore, it has been classified as a Variant of Uncertain Significance.

NM_030962.4(SBF2):c.5205G>C (p.Gln1735His)

Genes: SBF2 (SET binding factor 2; minus strand), SBF2-AS1 (SBF2 antisense RNA 1; plus strand), LOC105369149 (uncharacterized LOC105369149; plus strand). Cytogenetic location: 11p15.4.
Variant type: single nucleotide variant.
Coding change: c.5205G>C on transcript NM_030962.4 (MANE Select); coding-DNA position 5205, G replaced by C.
Protein change: p.Gln1735His; replaces glutamine 1735 with histidine.
Molecular consequence: missense variant.
Genome position (GRCh38, 1-based): chr11:9,785,151, C>G on the plus strand (G>C on the coding strand, the complement: SBF2 is on the minus strand). VCF-style: chr11-9785151-C-G. GRCh37 (hg19) VCF-style: chr11-9806698-C-G.
Other names: c.5301G>C, p.Gln1767His (NM_001386339.1); c.5076G>C, p.Gln1692His (NM_001386342.1); short protein forms Q1735H, Q1692H, Q1767H.
Identifiers: ClinVar variation 241613 (VCV000241613.9), dbSNP rs878855131, ClinGen allele CA10582957.
Genomic context (GRCh38, chr11:9,785,151, plus strand): 5'-TCTTCAGCACAGCGAGCAGGGTTCAGCATGTCACCTGTTTTCATCATTCTTGGATGTATA[C>G]TGGCTATAGAGCGTGGCTGCTCTTCGCTCCACTCCATTGGATGGGGAGATGCTGGAATTC-3'
Protein context (NP_112224.1, residues 1725-1745): VERRAATLYS[Gln1735His]YTSKNDENRS